The following is an entry in ClinVar:

ClinVar aggregate classification (germline): Uncertain significance (1 of 4 stars; one submission).

Submission:

GeneDx
Classification: Uncertain significance. Last evaluated: 2026-03-08. Review status: criteria provided, single submitter. Criteria: GeneDx Variant Classification Process June 2021. Collection method: clinical testing. Allele origin: germline.
Comment: Not observed at significant frequency in large population cohorts (gnomAD); In silico analysis supports that this missense variant has a deleterious effect on protein structure/function; Has not been previously published as pathogenic or benign to our knowledge

NM_001458.5(FLNC):c.2384G>A (p.Gly795Glu)

Gene: FLNC (filamin C; plus strand). Cytogenetic location: 7q32.1.
Variant type: single nucleotide variant.
Coding change: c.2384G>A on transcript NM_001458.5 (MANE Select); coding-DNA position 2384, G replaced by A.
Protein change: p.Gly795Glu; replaces glycine 795 with glutamic acid.
Molecular consequence: missense variant.
Genome position (GRCh38, 1-based): chr7:128,842,693, G>A. VCF-style: chr7-128842693-G-A. GRCh37 (hg19) VCF-style: chr7-128482747-G-A.
Other names: c.2384G>A, p.Gly795Glu (NM_001127487.2); short protein forms G795E.
Identifiers: ClinVar variation 5008830 (VCV005008830.1).
Genomic context (GRCh38, chr7:128,842,693, plus strand): 5'-AGAAGACAGGCCTCAAGGCCAATGAGCCCACCTACTTCACGGTGGACTGCAGCGAGGCGG[G>A]GCAAGGTGCGCCCAGCCGGAAGGGGTGGGTCTGGGAGGGGGCGGGGGTGAGTCGAGTCGG-3'
Protein context (NP_001449.3, residues 785-805): TYFTVDCSEA[Gly795Glu]QGDVSIGIKC